The following is an entry in ClinVar:

NM_015912.4(FAM135B):c.2533A>G (p.Ile845Val)

Gene: FAM135B (family with sequence similarity 135 member B; minus strand). Cytogenetic location: 8q24.23.
Variant type: single nucleotide variant.
Coding change: c.2533A>G on transcript NM_015912.4 (MANE Select); coding-DNA position 2533, A replaced by G.
Protein change: p.Ile845Val; replaces isoleucine 845 with valine.
Molecular consequence: missense variant.
Genome position (GRCh38, 1-based): chr8:138,151,942, T>C on the plus strand (A>G on the coding strand, the complement: FAM135B is on the minus strand). VCF-style: chr8-138151942-T-C. GRCh37 (hg19) VCF-style: chr8-139164185-T-C.
Other names: c.2533A>G, p.Ile845Val (NM_001362965.2); short protein forms I845V.
Identifiers: ClinVar variation 3387941 (VCV003387941.14).
Genomic context (GRCh38, chr8:138,151,942, plus strand): 5'-CATCAGGAAGACAGTGTCCTTGAGCATCAAACTGCTTCCCTTTCCCTTTGGGGATGTCTA[T>C]GTATCCGGGGCCCTGCTGGTTGTCAGCATCTAAAACTATCTCCACCAGGGGATGGTCTGC-3'
Protein context (NP_056996.2, residues 835-855): DADNQQGPGY[Ile845Val]DIPKGKGKQF

ClinVar aggregate classification (germline): Likely benign (1 of 4 stars; one submission).

gnomAD v4.1: 6,327 of 1,614,190 alleles (0.39%); highest among the groups gnomAD compares: Middle Eastern, 1%; 27 homozygotes.

Submission:

CeGaT Center for Human Genetics Tuebingen
Classification: Likely benign. Last evaluated: 2024-09-01. Review status: criteria provided, single submitter. Criteria: CeGaT Center For Human Genetics Tuebingen Variant Classification Criteria Version 2. Collection method: clinical testing. Allele origin: germline. Affected: yes. Observed: 1 variant allele.
Comment: FAM135B: BP4, BS2